The following is an entry in ClinVar:

NM_006015.6(ARID1A):c.4489A>G (p.Met1497Val)

Gene: ARID1A (AT-rich interaction domain 1A; plus strand). Cytogenetic location: 1p36.11.
Variant type: single nucleotide variant.
Coding change: c.4489A>G on transcript NM_006015.6 (MANE Select); coding-DNA position 4489, A replaced by G.
Protein change: p.Met1497Val; replaces methionine 1497 with valine.
Molecular consequence: missense variant. On other transcripts: intron variant (1).
Genome position (GRCh38, 1-based): chr1:26,774,716, A>G. VCF-style: chr1-26774716-A-G. GRCh37 (hg19) VCF-style: chr1-27101207-A-G.
Other names: c.4102-264A>G (NM_139135.4); short protein forms M1497V.
Identifiers: ClinVar variation 4777955 (VCV004777955.1).

ClinVar aggregate classification (germline): Uncertain significance (1 of 4 stars; one submission).

Submission:

Labcorp Genetics (formerly Invitae), Labcorp
Classification: Uncertain significance. Last evaluated: 2026-01-31. Review status: criteria provided, single submitter. Criteria: Invitae Variant Classification Sherloc (09022015). Collection method: clinical testing. Allele origin: germline.
Comment: This sequence change replaces methionine, which is neutral and non-polar, with valine, which is neutral and non-polar, at codon 1497 of the ARID1A protein (p.Met1497Val). This variant is not present in population databases (gnomAD no frequency). This variant has not been reported in the literature in individuals affected with ARID1A-related conditions. Invitae Evidence Modeling of protein sequence and biophysical properties (such as structural, functional, and spatial information, amino acid conservation, physicochemical variation, residue mobility, and thermodynamic stability) indicates that this missense variant is not expected to disrupt ARID1A protein function with a negative predictive value of 80%. In summary, the available evidence is currently insufficient to determine the role of this variant in disease. Therefore, it has been classified as a Variant of Uncertain Significance.